The following is an entry in ClinVar:

ClinVar aggregate classification (germline): Uncertain significance (1 of 4 stars; one submission).

Conditions:
Beck-Fahrner syndrome (BEFAHRS). Identifiers: Orphanet 684216, MedGen C5394097, MONDO:0032922, OMIM 618798.

Submission:

Illumina Laboratory Services, Illumina
Classification: Uncertain significance for Beck-Fahrner syndrome. Last evaluated: 2021-08-16. Review status: criteria provided, single submitter. Criteria: ICSLVariantClassificationCriteria RUGD 01 April 2020. Collection method: clinical testing. Allele origin: unknown.
Comment: The TET3 c.4594G>C (p.Glu1532Gln) variant is a missense variant. A literature search was performed for the gene, cDNA change, and amino acid change. No publications were found based on this search. This variant is not found in version 2.1.1 or version 3.1.1 of the Genome Aggregation Database despite its location in a region of good sequencing coverage, so the variant is presumed to be rare. The p.Glu1532Gln variant is located in the catalytic domain of the protein. Based on the limited evidence, the p.Glu1532Gln variant is classified as a variant of uncertain significance for Beck-Fahrner syndrome.

NM_001287491.2(TET3):c.4594G>C (p.Glu1532Gln)

Gene: TET3 (tet methylcytosine dioxygenase 3; plus strand). Cytogenetic location: 2p13.1.
Variant type: single nucleotide variant.
Coding change: c.4594G>C on transcript NM_001287491.2 (MANE Select); coding-DNA position 4594, G replaced by C.
Protein change: p.Glu1532Gln; replaces glutamic acid 1532 with glutamine.
Molecular consequence: missense variant.
Genome position (GRCh38, 1-based): chr2:74,101,382, G>C. VCF-style: chr2-74101382-G-C. GRCh37 (hg19) VCF-style: chr2-74328509-G-C.
Other names: c.4315G>C, p.Glu1439Gln (NM_001366022.1); short protein forms E1439Q, E1532Q.
Identifiers: ClinVar variation 1328164 (VCV001328164.4), dbSNP rs1572906291, ClinGen allele CA347321032.